The following is an entry in ClinVar:

ClinVar aggregate classification (germline): Uncertain significance (1 of 4 stars; one submission).

Allele frequency attached by ClinVar (database versions not stated): ExAC 0.00002; gnomAD 0.00003.
gnomAD v4.1: 7 of 1,613,864 alleles (0.00043%); highest among the groups gnomAD compares: African/African-American, 0.0067%; no homozygotes.

Submission:

Labcorp Genetics (formerly Invitae), Labcorp
Classification: Uncertain significance. Last evaluated: 2023-03-10. Review status: criteria provided, single submitter. Criteria: Invitae Variant Classification Sherloc (09022015). Collection method: clinical testing. Allele origin: germline.
Comment: This sequence change replaces leucine, which is neutral and non-polar, with proline, which is neutral and non-polar, at codon 773 of the ADCY5 protein (p.Leu773Pro). In summary, the available evidence is currently insufficient to determine the role of this variant in disease. Therefore, it has been classified as a Variant of Uncertain Significance. Advanced modeling of protein sequence and biophysical properties (such as structural, functional, and spatial information, amino acid conservation, physicochemical variation, residue mobility, and thermodynamic stability) has been performed at Invitae for this missense variant, however the output from this modeling did not meet the statistical confidence thresholds required to predict the impact of this variant on ADCY5 protein function. This variant has not been reported in the literature in individuals affected with ADCY5-related conditions. This variant is present in population databases (rs367730785, gnomAD 0.008%).

NM_183357.3(ADCY5):c.2318T>C (p.Leu773Pro)

Gene: ADCY5 (adenylate cyclase 5; minus strand). Cytogenetic location: 3q21.1.
Variant type: single nucleotide variant.
Coding change: c.2318T>C on transcript NM_183357.3 (MANE Select); coding-DNA position 2318, T replaced by C.
Protein change: p.Leu773Pro; replaces leucine 773 with proline.
Molecular consequence: missense variant.
Genome position (GRCh38, 1-based): chr3:123,318,056, A>G on the plus strand (T>C on the coding strand, the complement: ADCY5 is on the minus strand). VCF-style: chr3-123318056-A-G. GRCh37 (hg19) VCF-style: chr3-123036903-A-G.
Other names: c.1268T>C, p.Leu423Pro (NM_001199642.1); c.2318T>C, p.Leu773Pro (NM_001378259.1); short protein forms L773P, L423P.
Identifiers: ClinVar variation 2994225 (VCV002994225.3), dbSNP rs367730785, ClinGen allele CA2577172.
Genomic context (GRCh38, chr3:123,318,056, plus strand): 5'-CCCAAGAGGGACGGGGATACTCACTGGGGCACGATGGTGATCTGGACAAAGCAGATGAAG[A>G]GGAAGACGAGCGAGGCACACGCCACATAGGCACCAAATCGGTCGTCTACCTGCTTGGAGT-3'
Protein context (NP_899200.1, residues 763-783): AYVACASLVF[Leu773Pro]FICFVQITIV